The following is an entry in ClinVar:

NM_014991.6(WDFY3):c.6229G>A (p.Ala2077Thr)

Gene: WDFY3 (WD repeat and FYVE domain containing 3; minus strand). Cytogenetic location: 4q21.23.
Variant type: single nucleotide variant.
Coding change: c.6229G>A on transcript NM_014991.6 (MANE Select); coding-DNA position 6229, G replaced by A.
Protein change: p.Ala2077Thr; replaces alanine 2077 with threonine.
Molecular consequence: missense variant.
Genome position (GRCh38, 1-based): chr4:84,741,766, C>T on the plus strand (G>A on the coding strand, the complement: WDFY3 is on the minus strand). VCF-style: chr4-84741766-C-T. GRCh37 (hg19) VCF-style: chr4-85662919-C-T.
Other names: short protein forms A2077T.
Identifiers: ClinVar variation 1706379 (VCV001706379.2), dbSNP rs2532126926, ClinGen allele CA357557685.

ClinVar aggregate classification (germline): Uncertain significance (1 of 4 stars; one submission).

Submission:

GeneDx
Classification: Uncertain significance. Last evaluated: 2022-03-18. Review status: criteria provided, single submitter. Criteria: GeneDx Variant Classification Process June 2021. Collection method: clinical testing. Allele origin: germline. Affected: yes.
Comment: Not observed at significant frequency in large population cohorts (gnomAD); In silico analysis supports that this missense variant does not alter protein structure/function; Has not been previously published as pathogenic or benign to our knowledge